The following is an entry in ClinVar:

NM_177924.5(ASAH1):c.1041+3A>G

Gene: ASAH1 (N-acylsphingosine amidohydrolase 1; minus strand). Cytogenetic location: 8p22.
Variant type: single nucleotide variant.
Coding change: c.1041+3A>G on transcript NM_177924.5 (MANE Select); 3 bases into the intron after coding-DNA position 1041, A replaced by G.
Molecular consequence: intron variant.
Genome position (GRCh38, 1-based): chr8:18,059,338, T>C on the plus strand (A>G on the coding strand, the complement: ASAH1 is on the minus strand). VCF-style: chr8-18059338-T-C. GRCh37 (hg19) VCF-style: chr8-17916847-T-C.
Other names: c.1089+3A>G (NM_004315.6); c.1023+3A>G (NM_001127505.3); c.846+3A>G (NM_001363743.2).
Identifiers: ClinVar variation 2014475 (VCV002014475.4), dbSNP rs2537915444, ClinGen allele CA2580078036.

ClinVar aggregate classification (germline): Uncertain significance (1 of 4 stars; one submission).

Allele frequency attached by ClinVar (database versions not stated): gnomAD exomes below 0.00001.
gnomAD v4.1: 1 of 1,614,212 alleles (0.000062%); highest among the groups gnomAD compares: Non-Finnish European, 0.000085%; no homozygotes.

Submission:

Labcorp Genetics (formerly Invitae), Labcorp
Classification: Uncertain significance. Last evaluated: 2022-07-06. Review status: criteria provided, single submitter. Criteria: Invitae Variant Classification Sherloc (09022015). Collection method: clinical testing. Allele origin: germline.
Comment: This sequence change falls in intron 12 of the ASAH1 gene. It does not directly change the encoded amino acid sequence of the ASAH1 protein. It affects a nucleotide within the consensus splice site. This variant is not present in population databases (gnomAD no frequency). This variant has not been reported in the literature in individuals affected with ASAH1-related conditions. Variants that disrupt the consensus splice site are a relatively common cause of aberrant splicing (PMID: 17576681, 9536098). Algorithms developed to predict the effect of sequence changes on RNA splicing suggest that this variant may disrupt the consensus splice site. In summary, the available evidence is currently insufficient to determine the role of this variant in disease. Therefore, it has been classified as a Variant of Uncertain Significance.

Literature cited by the submitters: PubMed 17576681; PubMed 9536098.